The following is an entry in ClinVar:

NC_000005.9:g.(?_73981076)_(73981394_?)del

Gene: HEXB (hexosaminidase subunit beta; plus strand). Cytogenetic location: 5q13.3.
Variant type: Deletion.
Identifiers: ClinVar variation 2423199 (VCV002423199.3).

ClinVar aggregate classification (germline): Pathogenic (1 of 4 stars; one submission).

Conditions:
Sandhoff disease. Also called: Beta-hexosaminidase-beta-subunit deficiency; GM2 gangliosidosis, type 2; Total hexosaminidase deficiency; Sandhoff-Jatzkewitz-Pilz disease; GM2-GANGLIOSIDOSIS, TYPE II; HEXOSAMINIDASES A AND B DEFICIENCY. Identifiers: Orphanet 796, MedGen C0036161, MONDO:0010006, OMIM 268800.

Submission:

Labcorp Genetics (formerly Invitae), Labcorp
Classification: Pathogenic for Sandhoff disease. Last evaluated: 2021-12-03. Review status: criteria provided, single submitter. Criteria: Invitae Variant Classification Sherloc (09022015). Collection method: clinical testing. Allele origin: germline.
Comment: For these reasons, this variant has been classified as Pathogenic. This variant has not been reported in the literature in individuals affected with HEXB-related conditions. This variant is a gross deletion of the genomic region encompassing exon(s) 1 of the HEXB gene, which includes the initiator codon. This deletion extends beyond the assayed region for this gene and therefore may encompass additional genes. It is expected to result in an absent or disrupted protein product. Loss-of-function variants in HEXB are known to be pathogenic (PMID: 7550345, 18758829).

Literature cited by the submitters: PubMed 7550345; PubMed 18758829.